The following is an entry in ClinVar:

ClinVar aggregate classification (germline): Likely benign. Review status: criteria provided, multiple submitters, no conflicts (2 of 4 stars). 2 submissions from 2 submitters: Likely benign (2). Last evaluated 2024-04-24.

Allele frequency attached by ClinVar (database versions not stated): gnomAD exomes 0.00001.
gnomAD v4.1: 11 of 1,613,642 alleles (0.00068%); highest among the groups gnomAD compares: South Asian, 0.0033%; no homozygotes.

Submissions (2):

Labcorp Genetics (formerly Invitae), Labcorp
Classification: Likely benign. Last evaluated: 2024-04-24. Review status: criteria provided, single submitter. Criteria: Invitae Variant Classification Sherloc (09022015). Collection method: clinical testing. Allele origin: germline.

CeGaT Center for Human Genetics Tuebingen
Classification: Likely benign. Last evaluated: 2022-11-01. Review status: criteria provided, single submitter. Criteria: CeGaT Center For Human Genetics Tuebingen Variant Classification Criteria Version 2. Collection method: clinical testing. Allele origin: germline. Affected: yes. Observed: 1 variant allele.
Comment: CNTNAP1: BP4, BP7

NM_003632.3(CNTNAP1):c.3972C>T (p.His1324=)

Genes: CNTNAP1 (contactin associated protein 1; plus strand), LOC128669077 (EZH1 +46 kb erythroid enhancer; plus strand). Cytogenetic location: 17q21.2.
Variant type: single nucleotide variant.
Coding change: c.3972C>T on transcript NM_003632.3 (MANE Select); coding-DNA position 3972, C replaced by T.
Protein change: p.His1324=; no amino-acid change (histidine 1324 retained).
Molecular consequence: synonymous variant.
Genome position (GRCh38, 1-based): chr17:42,698,727, C>T. VCF-style: chr17-42698727-C-T. GRCh37 (hg19) VCF-style: chr17-40850745-C-T.
Identifiers: ClinVar variation 2647803 (VCV002647803.26), dbSNP rs901180653, ClinGen allele CA290768029.
Genomic context (GRCh38, chr17:42,698,727, plus strand): 5'-CTATCTGCAAAATCATCGCTATAAGGGCTCCTACCATACCAATGAGCCCAAGGCTGCCCA[C>T]GAGTACCATCCTGGCAGCAAACCTCCCCTACCCACTTCAGGCCCTGCCCAGGTCCCCACC-3'
Protein context (NP_003623.1, residues 1314-1334): SYHTNEPKAA[His1324=]EYHPGSKPPL